The following is an entry in ClinVar:

ClinVar aggregate classification (germline): Conflicting classifications of pathogenicity. Review status: criteria provided, conflicting classifications (1 of 4 stars). 6 submissions from 6 submitters: Uncertain significance (5); Likely benign (1). Last evaluated 2026-06-16.

Conditions:
NPHP1-related disorder. Also called: NPHP1-related condition; NPHP1-related disorders.
Inborn genetic diseases. Identifiers: MedGen C0950123, MeSH D030342.
Nephronophthisis. Also called: Juvenile Nephronophthisis. Identifiers: Orphanet 655, MedGen C0687120, MONDO:0019005, HP:0000090.
Nephronophthisis 1 (NPHP1). Also called: Nephronophthisis familial juvenile. Identifiers: Orphanet 655, Orphanet 93592, MedGen C1855681, MONDO:0009728, OMIM 256100.
Joubert syndrome with renal defect. Also called: JOUBERT SYNDROME 4. Identifiers: Orphanet 220497, MedGen C1846790, MONDO:0012308, OMIM 609583.
Senior-Loken syndrome 1 (SLSN1). Also called: JUVENILE NEPHRONOPHTHISIS WITH LEBER AMAUROSIS. Identifiers: Orphanet 3156, MedGen C4551559, MONDO:0009962, OMIM 266900.

Allele frequency attached by ClinVar (database versions not stated): gnomAD 0.00011 and 0.00012; TOPMed 0.00011; gnomAD exomes 0.00014 and 0.00034; ExAC 0.00015; ESP Exome Variant Server 0.00015.

Submissions (6):

PreventionGenetics, part of Exact Sciences
Classification: Uncertain significance for NPHP1-related condition. Last evaluated: 2026-06-16. Review status: criteria provided, single submitter. Criteria: ACMG Guidelines, 2015. Collection method: clinical testing. Allele origin: germline.
Comment: The NPHP1 c.1955C>T variant is predicted to result in the amino acid substitution p.Thr652Met. To our knowledge, this variant has not been reported in the literature. This variant is reported in 0.025% of alleles in individuals of European (Non-Finnish) descent in gnomAD. At this time, the clinical significance of this variant is uncertain due to the absence of conclusive functional and genetic evidence.

Ambry Genetics
Classification: Uncertain significance for Inborn genetic diseases. Last evaluated: 2025-04-07. Review status: criteria provided, single submitter. Criteria: Ambry Variant Classification Scheme 2023. Collection method: clinical testing. Allele origin: germline.

Clinical Genomics Laboratory, Stanford Medicine
Classification: Uncertain significance for Joubert syndrome with renal defect; Nephronophthisis 1; Senior-Loken syndrome 1. Last evaluated: 2023-01-24. Review status: criteria provided, single submitter. Criteria: ACMG Guidelines, 2015. Collection method: clinical testing. Allele origin: germline. Observed: 1 variant allele, 1 heterozygote.

Labcorp Genetics (formerly Invitae), Labcorp
Classification: Uncertain significance for Nephronophthisis. Last evaluated: 2022-10-13. Review status: criteria provided, single submitter. Criteria: Invitae Variant Classification Sherloc (09022015). Collection method: clinical testing. Allele origin: germline.
Comment: This sequence change replaces threonine, which is neutral and polar, with methionine, which is neutral and non-polar, at codon 652 of the NPHP1 protein (p.Thr652Met). This variant is present in population databases (rs201460699, gnomAD 0.03%). This variant has not been reported in the literature in individuals affected with NPHP1-related conditions. ClinVar contains an entry for this variant (Variation ID: 288529). Advanced modeling of protein sequence and biophysical properties (such as structural, functional, and spatial information, amino acid conservation, physicochemical variation, residue mobility, and thermodynamic stability) performed at Invitae indicates that this missense variant is not expected to disrupt NPHP1 protein function. In summary, the available evidence is currently insufficient to determine the role of this variant in disease. Therefore, it has been classified as a Variant of Uncertain Significance.

GeneDx
Classification: Likely benign. Last evaluated: 2020-10-16. Review status: criteria provided, single submitter. Criteria: GeneDx Variant Classification Process June 2021. Collection method: clinical testing. Allele origin: germline. Affected: yes.

Eurofins Ntd Llc (ga)
Classification: Uncertain significance. Last evaluated: 2016-07-01. Review status: criteria provided, single submitter. Criteria: EGL Classification Definitions 2015. Collection method: clinical testing. Allele origin: germline. Observed: 1 variant allele, 1 heterozygote.

NM_001128178.3(NPHP1):c.1787C>T (p.Thr596Met)

Gene: NPHP1 (nephrocystin 1; minus strand). Cytogenetic location: 2q13.
Variant type: single nucleotide variant.
Coding change: c.1787C>T on transcript NM_001128178.3 (MANE Select); coding-DNA position 1787, C replaced by T.
Protein change: p.Thr596Met; replaces threonine 596 with methionine.
Molecular consequence: missense variant. On other transcripts: 3 prime UTR variant (1).
Genome position (GRCh38, 1-based): chr2:110,124,038, G>A on the plus strand (C>T on the coding strand, the complement: NPHP1 is on the minus strand). VCF-style: chr2-110124038-G-A. GRCh37 (hg19) VCF-style: chr2-110881615-G-A.
Other names: c.1955C>T, p.Thr652Met (NM_000272.5); c.1598C>T, p.Thr533Met (NM_001128179.3); c.1784C>T, p.Thr595Met (NM_001374256.1); c.*29C>T (NM_001374257.1); c.1952C>T, p.Thr651Met (NM_207181.4); short protein forms T652M, T596M, T651M, T533M, T595M.
Identifiers: ClinVar variation 288529 (VCV000288529.17), dbSNP rs201460699, ClinGen allele CA1826867.